The following is an entry in ClinVar:

NM_032279.4(ATP13A4):c.2860T>C (p.Tyr954His)

Gene: ATP13A4 (ATPase 13A4; minus strand). Cytogenetic location: 3q29.
Variant type: single nucleotide variant.
Coding change: c.2860T>C on transcript NM_032279.4 (MANE Select); coding-DNA position 2860, T replaced by C.
Protein change: p.Tyr954His; replaces tyrosine 954 with histidine.
Molecular consequence: missense variant.
Genome position (GRCh38, 1-based): chr3:193,414,733, A>G on the plus strand (T>C on the coding strand, the complement: ATP13A4 is on the minus strand). VCF-style: chr3-193414733-A-G. GRCh37 (hg19) VCF-style: chr3-193132522-A-G.
Other names: c.2860T>C (NM_032279.2); short protein forms Y954H.
Identifiers: ClinVar variation 729134 (VCV000729134.8), dbSNP rs138787975, ClinGen allele CA2757920.

ClinVar aggregate classification (germline): Conflicting classifications of pathogenicity. Review status: criteria provided, conflicting classifications (1 of 4 stars). 3 submissions from 3 submitters: Uncertain significance (1); Likely benign (1). 1 of the submissions does not count toward it. Last evaluated 2024-01-23.

Conditions:
ATP13A4-related disorder. Also called: ATP13A4-related condition.

Allele frequency attached by ClinVar (database versions not stated): ExAC 0.00014; gnomAD exomes 0.00015; ESP Exome Variant Server 0.00062; gnomAD 0.00066 and 0.00073; TOPMed 0.00075; 1000 Genomes Project 30x 0.00078; 1000 Genomes Project 0.00080.
gnomAD v4.1: 184 of 1,614,146 alleles (0.011%); highest among the groups gnomAD compares: African/African-American, 0.22%; 1 homozygote.

Submissions (3):

Ambry Genetics
Classification: Uncertain significance. Last evaluated: 2024-01-23. Review status: criteria provided, single submitter. Criteria: Ambry Variant Classification Scheme 2023. Collection method: clinical testing. Allele origin: germline.

Labcorp Genetics (formerly Invitae), Labcorp
Classification: Likely benign. Last evaluated: 2017-12-13. Review status: criteria provided, single submitter. Criteria: Invitae Variant Classification Sherloc (09022015). Collection method: clinical testing. Allele origin: germline.

PreventionGenetics, part of Exact Sciences
Classification: Likely benign for ATP13A4-related condition. Last evaluated: 2022-06-12. Review status: no assertion criteria provided. Collection method: clinical testing. Allele origin: germline. Not counted in ClinVar's aggregate classification.
Comment: This variant is classified as likely benign based on ACMG/AMP sequence variant interpretation guidelines (Richards et al. 2015 PMID: 25741868, with internal and published modifications).